The following is an entry in ClinVar:

NM_030662.4(MAP2K2):c.757A>T (p.Met253Leu)

Gene: MAP2K2 (mitogen-activated protein kinase kinase 2; minus strand). Cytogenetic location: 19p13.3.
Variant type: single nucleotide variant.
Coding change: c.757A>T on transcript NM_030662.4 (MANE Select); coding-DNA position 757, A replaced by T.
Protein change: p.Met253Leu; replaces methionine 253 with leucine.
Molecular consequence: missense variant.
Genome position (GRCh38, 1-based): chr19:4,099,363, T>A on the plus strand (A>T on the coding strand, the complement: MAP2K2 is on the minus strand). VCF-style: chr19-4099363-T-A. GRCh37 (hg19) VCF-style: chr19-4099361-T-A.
Other names: short protein forms M253L.
Identifiers: ClinVar variation 2571832 (VCV002571832.1), dbSNP rs1408773835, ClinGen allele CA403386711.

ClinVar aggregate classification (germline): Uncertain significance (1 of 4 stars; one submission).

Submission:

GeneDx
Classification: Uncertain significance. Last evaluated: 2023-01-03. Review status: criteria provided, single submitter. Criteria: GeneDx Variant Classification Process June 2021. Collection method: clinical testing. Allele origin: germline. Affected: yes.
Comment: In silico analysis supports that this missense variant does not alter protein structure/function; Missense variants in this gene are often considered pathogenic (HGMD); Not observed at significant frequency in large population cohorts (gnomAD); Has not been previously published as pathogenic or benign to our knowledge